The following is an entry in ClinVar:

ClinVar aggregate classification (germline): Benign/Likely benign. Review status: criteria provided, multiple submitters, no conflicts (2 of 4 stars). 8 submissions from 8 submitters: Benign (6); Likely benign (2). Last evaluated 2026-02-04.

Conditions:
Autosomal recessive nonsyndromic hearing loss 3. Also called: NEUROSENSORY NONSYNDROMIC RECESSIVE DEAFNESS 3. Identifiers: Orphanet 90636, MedGen C1838263, MONDO:0010860, OMIM 600316.

Allele frequency attached by ClinVar (database versions not stated): 1000 Genomes Project 30x 0.00593; 1000 Genomes Project 0.00619; TOPMed 0.02479; gnomAD 0.02765 and 0.02872; gnomAD exomes 0.02816 and 0.04221; ExAC 0.02890; ESP Exome Variant Server 0.03200.
gnomAD v4.1: 65,398 of 1,613,918 alleles (4.1%); highest among the groups gnomAD compares: Non-Finnish European, 4.9%; 1,662 homozygotes.

Submissions (8):

Labcorp Genetics (formerly Invitae), Labcorp
Classification: Benign. Last evaluated: 2026-02-04. Review status: criteria provided, single submitter. Criteria: Invitae Variant Classification Sherloc (09022015). Collection method: clinical testing. Allele origin: germline.

Mayo Clinic Laboratories, Mayo Clinic
Classification: Benign. Last evaluated: 2021-02-19. Review status: criteria provided, single submitter. Criteria: ACMG Guidelines, 2015. Collection method: clinical testing. Allele origin: germline. Observed: 10 variant alleles.

Athena Diagnostics
Classification: Benign. Last evaluated: 2019-03-15. Review status: criteria provided, single submitter. Criteria: Athena Diagnostics Criteria. Collection method: clinical testing. Allele origin: germline.

Illumina Laboratory Services, Illumina
Classification: Likely benign for Autosomal recessive nonsyndromic hearing loss 3. Last evaluated: 2018-01-13. Review status: criteria provided, single submitter. Criteria: ICSL Variant Classification Criteria 13 December 2019. Collection method: clinical testing. Allele origin: germline.
Comment: This variant was observed in the ICSL laboratory as part of a predisposition screen in an ostensibly healthy population. It had not been previously curated by ICSL or reported in the Human Gene Mutation Database (HGMD: prior to June 1st, 2018), and was therefore a candidate for classification through an automated scoring system. Utilizing variant allele frequency, disease prevalence and penetrance estimates, and inheritance mode, an automated score was calculated to assess if this variant is too frequent to cause the disease. Based on the score and internal cut-off values, a variant classified as likely benign is not then subjected to further curation. The score for this variant resulted in a classification of likely benign for this disease.

GeneDx
Classification: Benign. Last evaluated: 2017-09-25. Review status: criteria provided, single submitter. Criteria: GeneDx Variant Classification (06012015). Collection method: clinical testing. Allele origin: germline. Affected: yes.
Comment: This variant is considered likely benign or benign based on one or more of the following criteria: it is a conservative change, it occurs at a poorly conserved position in the protein, it is predicted to be benign by multiple in silico algorithms, and/or has population frequency not consistent with disease.

Laboratory for Molecular Medicine, Mass General Brigham Personalized Medicine
Classification: Benign. Last evaluated: 2012-05-07. Review status: criteria provided, single submitter. Criteria: LMM Criteria. Collection method: clinical testing. Allele origin: germline. Observed: 88 variant alleles.
Comment: "Thr2501Thr in Exon 39 of MYO15A: This variant is not expected to have clinical significance because it does not alter an amino acid residue, is not located wit hin the splice consensus sequence, and has been identified in 4.3% (286/6722) of European American chromosomes from a broad population by the NHLBI Exome Sequen cing Project (dbSNP rs16960961)."

Breakthrough Genomics
Classification: Likely benign. Review status: criteria provided, single submitter. Criteria: ACMG Guidelines, 2015. Collection method: not provided. Allele origin: germline. Inheritance: Autosomal recessive inheritance. Affected: yes.

PreventionGenetics, part of Exact Sciences
Classification: Benign. Review status: criteria provided, single submitter. Criteria: ACMG Guidelines, 2015. Collection method: clinical testing. Allele origin: germline.

NM_016239.4(MYO15A):c.7503G>A (p.Thr2501=)

Gene: MYO15A (myosin XVA; plus strand). Cytogenetic location: 17p11.2.
Variant type: single nucleotide variant.
Coding change: c.7503G>A on transcript NM_016239.4 (MANE Select); coding-DNA position 7503, G replaced by A.
Protein change: p.Thr2501=; no amino-acid change (threonine 2501 retained).
Molecular consequence: synonymous variant.
Genome position (GRCh38, 1-based): chr17:18,151,139, G>A. VCF-style: chr17-18151139-G-A. GRCh37 (hg19) VCF-style: chr17-18054453-G-A.
Other names: p.Thr2501=.
Identifiers: ClinVar variation 45760 (VCV000045760.20), dbSNP rs16960961, ClinGen allele CA137008.